The following is an entry in ClinVar:

NM_000038.6(APC):c.1458T>G (p.Tyr486Ter)

Gene: APC (APC regulator of Wnt signaling pathway; plus strand). Cytogenetic location: 5q22.2.
Variant type: single nucleotide variant.
Coding change: c.1458T>G on transcript NM_000038.6 (MANE Select); coding-DNA position 1458, T replaced by G.
Protein change: p.Tyr486Ter; replaces tyrosine 486 with a stop codon.
Molecular consequence: nonsense.
Genome position (GRCh38, 1-based): chr5:112,827,157, T>G. VCF-style: chr5-112827157-T-G. GRCh37 (hg19) VCF-style: chr5-112162854-T-G.
Other names: c.1458T>G, p.Tyr486Ter (NM_001127510.3, NM_001354895.2); c.1404T>G, p.Tyr468Ter (NM_001127511.3); c.1512T>G, p.Tyr504Ter (NM_001354896.2); c.1488T>G, p.Tyr496Ter (NM_001354897.2); c.1383T>G, p.Tyr461Ter (NM_001354898.2); c.1374T>G, p.Tyr458Ter (NM_001354899.2); c.1335T>G, p.Tyr445Ter (NM_001354900.2); c.1281T>G, p.Tyr427Ter (NM_001354901.2); and 6 more; short protein forms Y486*, Y468*, Y458*, Y203*, Y360*, Y385*, Y395*, Y427*.
Identifiers: ClinVar variation 825 (VCV000000825.11), dbSNP rs2229992, ClinGen allele CA16024500.

ClinVar aggregate classification (germline): Pathogenic. Review status: criteria provided, single submitter (1 of 4 stars). 2 submissions from 2 submitters: Pathogenic (1). 1 of the submissions does not count toward it. Last evaluated 2022-03-08.

Conditions:
Familial adenomatous polyposis 1 (FAP1). Also called: FAMILIAL ADENOMATOUS POLYPOSIS 1, ATTENUATED; POLYPOSIS, ADENOMATOUS INTESTINAL. Identifiers: MedGen C2713442, MONDO:0021056, OMIM 175100. Disease mechanism: loss of function.

Submissions (2):

Labcorp Genetics (formerly Invitae), Labcorp
Classification: Pathogenic for Familial adenomatous polyposis 1. Last evaluated: 2022-03-08. Review status: criteria provided, single submitter. Criteria: Invitae Variant Classification Sherloc (09022015). Collection method: clinical testing. Allele origin: germline.
Comment: This variant is not present in population databases (gnomAD no frequency). For these reasons, this variant has been classified as Pathogenic. ClinVar contains an entry for this variant (Variation ID: 825). This premature translational stop signal has been observed in individual(s) with familial adenomatous polyposis (PMID: 7959691, 9487968). It has also been observed to segregate with disease in related individuals. This sequence change creates a premature translational stop signal (p.Tyr486*) in the APC gene. It is expected to result in an absent or disrupted protein product. Loss-of-function variants in APC are known to be pathogenic (PMID: 17963004, 20685668).

OMIM
Classification: Pathogenic for FAMILIAL ADENOMATOUS POLYPOSIS 1. Last evaluated: 1997-11-01. Review status: no assertion criteria provided. Collection method: literature only. Allele origin: germline. Not counted in ClinVar's aggregate classification.

Literature cited by the submitters: PubMed 7959691 (cited by Labcorp Genetics (formerly Invitae), Labcorp); PubMed 9487968 (cited by Labcorp Genetics (formerly Invitae), Labcorp and OMIM); PubMed 17963004 (cited by Labcorp Genetics (formerly Invitae), Labcorp); PubMed 20685668 (cited by Labcorp Genetics (formerly Invitae), Labcorp).